The following continues an entry in ClinVar:

NM_000492.4(CFTR):c.3485G>A (p.Arg1162Gln)

ClinVar aggregate classification (germline): Uncertain significance. Uncertain significance (12).

Submissions 9 to 14 of 14:

Fulgent Genetics
Classification: Uncertain significance for Hereditary pancreatitis; Bronchiectasis with or without elevated sweat chloride 1; Cystic fibrosis; Congenital bilateral aplasia of vas deferens from CFTR mutation. Last evaluated: 2022-02-14. Review status: criteria provided, single submitter. Criteria: ACMG Guidelines, 2015. Collection method: clinical testing. Allele origin: unknown.

Genome-Nilou Lab
Classification: Uncertain significance for Cystic fibrosis. Last evaluated: 2021-09-05. Review status: criteria provided, single submitter. Criteria: ACMG Guidelines, 2015. Collection method: clinical testing. Allele origin: germline. Affected: no.

Quest Diagnostics Nichols Institute San Juan Capistrano
Classification: Uncertain significance. Last evaluated: 2020-01-14. Review status: criteria provided, single submitter. Criteria: Quest Diagnostics criteria. Collection method: clinical testing. Allele origin: unknown.

Eurofins Ntd Llc (ga)
Classification: Uncertain significance. Last evaluated: 2018-04-03. Review status: criteria provided, single submitter. Criteria: EGL ClinVar v180209 classification definitions. Collection method: clinical testing. Allele origin: germline. Observed: 1 variant allele, 1 heterozygote.

PreventionGenetics, part of Exact Sciences
Classification: Uncertain significance for CFTR-related condition. Last evaluated: 2024-07-08. Review status: no assertion criteria provided. Collection method: clinical testing. Allele origin: germline. Not counted in ClinVar's aggregate classification.
Comment: The CFTR c.3485G>A variant is predicted to result in the amino acid substitution p.Arg1162Gln. This variant has been reported in the compound heterozygous state in an individual with cystic fibrosis (Banjar et al. 2020. PubMed ID: 32026723). This variant has also been reported in the heterozygous state in an individual with cystic fibrosis, an individual with frequent pneumonias who had normal pancreatic function and sweat chloride levels, and in an individual with pancreatitis however, the presence of a second CFTR variant was either unknown or not specified in any of these individuals (Monaghan et al. 2000. PubMed ID: 10982968; Strandvik et al. 2001. PubMed ID: 11788090; Atag et al. 2019. PubMed ID: 30938940). This variant is reported in 0.020% of alleles in individuals of African descent in gnomAD. At this time, the clinical significance of this variant is uncertain due to the absence of conclusive functional and genetic evidence.

Counsyl
Classification: Uncertain significance for Cystic fibrosis. Last evaluated: 2017-12-04. Review status: no assertion criteria provided. Collection method: clinical testing. Allele origin: unknown. Not counted in ClinVar's aggregate classification.

Literature cited by the submitters: PubMed 11788090 (cited by 6 submitters); PubMed 10982968 (cited by 3 submitters); PubMed 30938940 (cited by Women's Health and Genetics/Laboratory Corporation of America, LabCorp and Labcorp Genetics (formerly Invitae), Labcorp); PubMed 32026723 (cited by Women's Health and Genetics/Laboratory Corporation of America, LabCorp and Labcorp Genetics (formerly Invitae), Labcorp); PubMed 32292813 (cited by Women's Health and Genetics/Laboratory Corporation of America, LabCorp); PubMed 38388235 (cited by Women's Health and Genetics/Laboratory Corporation of America, LabCorp); PubMed 39291770 (cited by Women's Health and Genetics/Laboratory Corporation of America, LabCorp); PubMed 25033378 (cited by Johns Hopkins Genomics, Johns Hopkins University and Ambry Genetics); PubMed 23974870 (cited by Ambry Genetics).